The following is an entry in ClinVar:

ClinVar aggregate classification (germline): Uncertain significance (1 of 4 stars; one submission).

Submission:

Labcorp Genetics (formerly Invitae), Labcorp
Classification: Uncertain significance. Last evaluated: 2023-10-03. Review status: criteria provided, single submitter. Criteria: Invitae Variant Classification Sherloc (09022015). Collection method: clinical testing. Allele origin: germline.
Comment: This sequence change replaces serine, which is neutral and polar, with leucine, which is neutral and non-polar, at codon 451 of the ARHGEF18 protein (p.Ser451Leu). This variant is not present in population databases (gnomAD no frequency). This variant has not been reported in the literature in individuals affected with ARHGEF18-related conditions. ClinVar contains an entry for this variant (Variation ID: 2133149). An algorithm developed to predict the effect of missense changes on protein structure and function (PolyPhen-2) suggests that this variant is likely to be disruptive. In summary, the available evidence is currently insufficient to determine the role of this variant in disease. Therefore, it has been classified as a Variant of Uncertain Significance.

NM_001367823.1(ARHGEF18):c.1916C>T (p.Ser639Leu)

Gene: ARHGEF18 (Rho/Rac guanine nucleotide exchange factor 18; plus strand). Cytogenetic location: 19p13.2.
Variant type: single nucleotide variant.
Coding change: c.1916C>T on transcript NM_001367823.1 (MANE Select); coding-DNA position 1916, C replaced by T.
Protein change: p.Ser639Leu; replaces serine 639 with leucine.
Molecular consequence: missense variant.
Genome position (GRCh38, 1-based): chr19:7,453,527, C>T. VCF-style: chr19-7453527-C-T. GRCh37 (hg19) VCF-style: chr19-7518413-C-T.
Other names: c.878C>T, p.Ser293Leu (NM_001367824.1, NM_015318.4); c.1190C>T, p.Ser397Leu (NM_001130955.2); short protein forms S293L, S397L, S639L.
Identifiers: ClinVar variation 2133149 (VCV002133149.4), dbSNP rs2512273731, ClinGen allele CA403111890.